The following is an entry in ClinVar:

NM_004482.4(GALNT3):c.574G>T (p.Val192Phe)

Gene: GALNT3 (polypeptide N-acetylgalactosaminyltransferase 3; minus strand). Cytogenetic location: 2q24.3.
Variant type: single nucleotide variant.
Coding change: c.574G>T on transcript NM_004482.4 (MANE Select); coding-DNA position 574, G replaced by T.
Protein change: p.Val192Phe; replaces valine 192 with phenylalanine.
Molecular consequence: missense variant.
Genome position (GRCh38, 1-based): chr2:165,764,998, C>A on the plus strand (G>T on the coding strand, the complement: GALNT3 is on the minus strand). VCF-style: chr2-165764998-C-A. GRCh37 (hg19) VCF-style: chr2-166621508-C-A.
Other names: short protein forms V192F.
Identifiers: ClinVar variation 1446033 (VCV001446033.7), dbSNP rs1252717801, ClinGen allele CA349042008.

ClinVar aggregate classification (germline): Uncertain significance (1 of 4 stars; one submission).

Allele frequency attached by ClinVar (database versions not stated): gnomAD exomes below 0.00001; TOPMed below 0.00001; gnomAD 0.00001.
gnomAD v4.1: 15 of 1,614,050 alleles (0.00093%); highest among the groups gnomAD compares: Non-Finnish European, 0.0013%; no homozygotes.

Submission:

Labcorp Genetics (formerly Invitae), Labcorp
Classification: Uncertain significance. Last evaluated: 2024-02-17. Review status: criteria provided, single submitter. Criteria: Invitae Variant Classification Sherloc (09022015). Collection method: clinical testing. Allele origin: germline.
Comment: This sequence change replaces valine, which is neutral and non-polar, with phenylalanine, which is neutral and non-polar, at codon 192 of the GALNT3 protein (p.Val192Phe). This variant is present in population databases (no rsID available, gnomAD 0.0009%). This variant has not been reported in the literature in individuals affected with GALNT3-related conditions. ClinVar contains an entry for this variant (Variation ID: 1446033). Advanced modeling of protein sequence and biophysical properties (such as structural, functional, and spatial information, amino acid conservation, physicochemical variation, residue mobility, and thermodynamic stability) performed at Invitae indicates that this missense variant is expected to disrupt GALNT3 protein function with a positive predictive value of 80%. In summary, the available evidence is currently insufficient to determine the role of this variant in disease. Therefore, it has been classified as a Variant of Uncertain Significance.